The following is an entry in ClinVar:

NM_001271.4(CHD2):c.4663G>A (p.Ala1555Thr)

Gene: CHD2 (chromodomain helicase DNA binding protein 2; plus strand). Cytogenetic location: 15q26.1.
Variant type: single nucleotide variant.
Coding change: c.4663G>A on transcript NM_001271.4 (MANE Select); coding-DNA position 4663, G replaced by A.
Protein change: p.Ala1555Thr; replaces alanine 1555 with threonine.
Molecular consequence: missense variant.
Genome position (GRCh38, 1-based): chr15:93,012,415, G>A. VCF-style: chr15-93012415-G-A. GRCh37 (hg19) VCF-style: chr15-93555645-G-A.
Other names: short protein forms A1555T.
Identifiers: ClinVar variation 1005111 (VCV001005111.9), dbSNP rs2054404552, ClinGen allele CA393905305.
Genomic context (GRCh38, chr15:93,012,415, plus strand): 5'-ATTTTTGTTTCCAAGTTTACAGAATTTGATGCTCGAAAACTGCATAAGTTATACAAGATG[G>A]CTCATAAGAAAAGGTCTCAAGAAGAAGAGGTAAAGTACAAATTCAGTCCTAATTCATACA-3'
Protein context (NP_001262.3, residues 1545-1565): ARKLHKLYKM[Ala1555Thr]HKKRSQEEEE

ClinVar aggregate classification (germline): Uncertain significance (1 of 4 stars; one submission).

Conditions:
Developmental and epileptic encephalopathy 94 (DEE94). Also called: CHD2-Related Neurodevelopmental Disorders; Epileptic encephalopathy, childhood-onset. Identifiers: Orphanet 1942, Orphanet 2382, MedGen C3809278, MONDO:0014150, OMIM 615369.

Submission:

Labcorp Genetics (formerly Invitae), Labcorp
Classification: Uncertain significance for Developmental and epileptic encephalopathy 94. Last evaluated: 2023-10-13. Review status: criteria provided, single submitter. Criteria: Invitae Variant Classification Sherloc (09022015). Collection method: clinical testing. Allele origin: germline.
Comment: This sequence change replaces alanine, which is neutral and non-polar, with threonine, which is neutral and polar, at codon 1555 of the CHD2 protein (p.Ala1555Thr). This variant is not present in population databases (gnomAD no frequency). This variant has not been reported in the literature in individuals affected with CHD2-related conditions. ClinVar contains an entry for this variant (Variation ID: 1005111). Advanced modeling of protein sequence and biophysical properties (such as structural, functional, and spatial information, amino acid conservation, physicochemical variation, residue mobility, and thermodynamic stability) performed at Invitae indicates that this missense variant is not expected to disrupt CHD2 protein function. In summary, the available evidence is currently insufficient to determine the role of this variant in disease. Therefore, it has been classified as a Variant of Uncertain Significance.